The following is an entry in ClinVar:

NM_207122.2(EXT2):c.1438C>T (p.Pro480Ser)

Genes: EXT2 (exostosin glycosyltransferase 2; plus strand), LOC126861201 (MED14-independent group 3 enhancer GRCh37_chr11:44218806-44220005; plus strand). Cytogenetic location: 11p11.2.
Variant type: single nucleotide variant.
Coding change: c.1438C>T on transcript NM_207122.2 (MANE Select); coding-DNA position 1438, C replaced by T.
Protein change: p.Pro480Ser; replaces proline 480 with serine.
Molecular consequence: missense variant.
Genome position (GRCh38, 1-based): chr11:44,197,961, C>T. VCF-style: chr11-44197961-C-T. GRCh37 (hg19) VCF-style: chr11-44219511-C-T.
Other names: c.1537C>T, p.Pro513Ser (NM_000401.3); c.1468C>T, p.Pro490Ser (NM_001178083.3); c.1438C>T, p.Pro480Ser (NM_001389628.1, NM_001389630.1); short protein forms P480S, P490S, P513S.
Identifiers: ClinVar variation 2849010 (VCV002849010.3), dbSNP rs1183076518, ClinGen allele CA380179193.

ClinVar aggregate classification (germline): Uncertain significance (1 of 4 stars; one submission).

Conditions:
Exostoses, multiple, type 2 (EXT2). Also called: Hereditary Multiple Osteochondromatosis, Type II; EXOSTOSES, MULTIPLE, TYPE II. Identifiers: Orphanet 321, MedGen C1851413, MONDO:0007586, OMIM 133701.

Allele frequency attached by ClinVar (database versions not stated): gnomAD exomes below 0.00001; gnomAD 0.00001; TOPMed 0.00002.
gnomAD v4.1: 7 of 1,613,952 alleles (0.00043%); highest among the groups gnomAD compares: African/African-American, 0.008%; no homozygotes.

Submission:

Labcorp Genetics (formerly Invitae), Labcorp
Classification: Uncertain significance for Exostoses, multiple, type 2. Last evaluated: 2023-01-21. Review status: criteria provided, single submitter. Criteria: Invitae Variant Classification Sherloc (09022015). Collection method: clinical testing. Allele origin: germline.
Comment: In summary, the available evidence is currently insufficient to determine the role of this variant in disease. Therefore, it has been classified as a Variant of Uncertain Significance. Advanced modeling of protein sequence and biophysical properties (such as structural, functional, and spatial information, amino acid conservation, physicochemical variation, residue mobility, and thermodynamic stability) performed at Invitae indicates that this missense variant is not expected to disrupt EXT2 protein function. This sequence change replaces proline, which is neutral and non-polar, with serine, which is neutral and polar, at codon 480 of the EXT2 protein (p.Pro480Ser). This variant is present in population databases (no rsID available, gnomAD 0.008%). This variant has not been reported in the literature in individuals affected with EXT2-related conditions.